The following is an entry in ClinVar:

NM_001365536.1(SCN9A):c.398T>C (p.Met133Thr)

Gene: SCN9A (sodium voltage-gated channel alpha subunit 9; minus strand). Cytogenetic location: 2q24.3.
Variant type: single nucleotide variant.
Coding change: c.398T>C on transcript NM_001365536.1 (MANE Select); coding-DNA position 398, T replaced by C.
Protein change: p.Met133Thr; replaces methionine 133 with threonine.
Molecular consequence: missense variant.
Genome position (GRCh38, 1-based): chr2:166,306,579, A>G on the plus strand (T>C on the coding strand, the complement: SCN9A is on the minus strand). VCF-style: chr2-166306579-A-G. GRCh37 (hg19) VCF-style: chr2-167163089-A-G.
Other names: c.398T>C, p.Met133Thr (NM_002977.4); short protein forms M133T.
Identifiers: ClinVar variation 2003099 (VCV002003099.4), dbSNP rs2468133178, ClinGen allele CA349095451.

ClinVar aggregate classification (germline): Uncertain significance (1 of 4 stars; one submission).

Conditions:
Generalized epilepsy with febrile seizures plus, type 7 (GEFSP7). Also called: GEFS+, TYPE 7. Identifiers: Orphanet 36387, MedGen C2751778, MONDO:0013470, OMIM 613863.
Neuropathy, hereditary sensory and autonomic, type 2A (HSAN2A). Also called: MORVAN DISEASE; NEUROPATHY, CONGENITAL SENSORY; NEUROPATHY, HEREDITARY SENSORY RADICULAR, AUTOSOMAL RECESSIVE; NEUROPATHY, HEREDITARY SENSORY, TYPE IIA; NEUROPATHY, PROGRESSIVE SENSORY, OF CHILDREN; WNK1-Related HSAN2 (HSAN2A). Identifiers: Orphanet 970, MedGen C2752089, MONDO:0024309, OMIM 201300.

Allele frequency attached by ClinVar (database versions not stated): gnomAD exomes below 0.00001.

Submission:

Labcorp Genetics (formerly Invitae), Labcorp
Classification: Uncertain significance for Neuropathy, hereditary sensory and autonomic, type 2A; Generalized epilepsy with febrile seizures plus, type 7. Last evaluated: 2022-06-07. Review status: criteria provided, single submitter. Criteria: Invitae Variant Classification Sherloc (09022015). Collection method: clinical testing. Allele origin: germline.
Comment: This sequence change replaces methionine, which is neutral and non-polar, with threonine, which is neutral and polar, at codon 133 of the SCN9A protein (p.Met133Thr). This variant is not present in population databases (gnomAD no frequency). This variant has not been reported in the literature in individuals affected with SCN9A-related conditions. Algorithms developed to predict the effect of missense changes on protein structure and function are either unavailable or do not agree on the potential impact of this missense change (SIFT: "Deleterious"; PolyPhen-2: "Possibly Damaging"; Align-GVGD: "Class C0"). In summary, the available evidence is currently insufficient to determine the role of this variant in disease. Therefore, it has been classified as a Variant of Uncertain Significance.